The following is an entry in ClinVar:

ClinVar aggregate classification (germline): Benign/Likely benign. Review status: criteria provided, multiple submitters, no conflicts (2 of 4 stars). 4 submissions from 4 submitters: Benign (1); Likely benign (3). Last evaluated 2024-08-08.

Conditions:
Oligodontia-cancer predisposition syndrome. Also called: TOOTH AGENESIS-COLORECTAL CANCER SYNDROME. Identifiers: Orphanet 300576, MedGen C1837750, MONDO:0012075, OMIM 608615. Disease mechanism: loss of function.
Hereditary cancer-predisposing syndrome. Also called: Hereditary Cancer Syndrome; Hereditary neoplastic syndrome; Neoplastic Syndromes, Hereditary; Tumor predisposition. Identifiers: Orphanet 140162, MedGen C0027672, MeSH D009386, MONDO:0015356.

Allele frequency attached by ClinVar (database versions not stated): TOPMed below 0.00001.

Submissions (4):

Labcorp Genetics (formerly Invitae), Labcorp
Classification: Likely benign for Oligodontia-cancer predisposition syndrome. Last evaluated: 2024-08-08. Review status: criteria provided, single submitter. Criteria: Invitae Variant Classification Sherloc (09022015). Collection method: clinical testing. Allele origin: germline.

Myriad Genetics, Inc.
Classification: Benign for Oligodontia-cancer predisposition syndrome. Last evaluated: 2024-06-26. Review status: criteria provided, single submitter. Criteria: Myriad Autosomal Dominant, Autosomal Recessive and X-Linked Classification Criteria (2023). Collection method: clinical testing. Allele origin: unknown.
Comment: This variant is considered benign. This variant is a silent/synonymous amino acid change and it is not expected to impact splicing.

Ambry Genetics
Classification: Likely benign for Hereditary cancer-predisposing syndrome. Last evaluated: 2021-02-16. Review status: criteria provided, single submitter. Criteria: Ambry Variant Classification Scheme 2023. Collection method: clinical testing. Allele origin: germline.

GeneDx
Classification: Likely benign. Last evaluated: 2016-02-18. Review status: criteria provided, single submitter. Criteria: GeneDx Variant Classification (06012015). Collection method: clinical testing. Allele origin: germline. Affected: yes.
Comment: This variant is considered likely benign or benign based on one or more of the following criteria: it is a conservative change, it occurs at a poorly conserved position in the protein, it is predicted to be benign by multiple in silico algorithms, and/or has population frequency not consistent with disease.

NM_004655.4(AXIN2):c.540G>A (p.Ser180=)

Gene: AXIN2 (axin 2; minus strand). Cytogenetic location: 17q24.1.
Variant type: single nucleotide variant.
Coding change: c.540G>A on transcript NM_004655.4 (MANE Select); coding-DNA position 540, G replaced by A.
Protein change: p.Ser180=; no amino-acid change (serine 180 retained).
Molecular consequence: synonymous variant.
Genome position (GRCh38, 1-based): chr17:65,558,081, C>T on the plus strand (G>A on the coding strand, the complement: AXIN2 is on the minus strand). VCF-style: chr17-65558081-C-T. GRCh37 (hg19) VCF-style: chr17-63554199-C-T.
Other names: c.540G>A, p.Ser180= (NM_001363813.1); c.540G>A (LRG_296t1).
Identifiers: ClinVar variation 383937 (VCV000383937.13), dbSNP rs1057521789, ClinGen allele CA16607809.